The following is an entry in ClinVar:

NM_001098511.3(KIF2A):c.2221C>A (p.Pro741Thr)

Gene: KIF2A (kinesin family member 2A; plus strand). Cytogenetic location: 5q12.1.
Variant type: single nucleotide variant.
Coding change: c.2221C>A on transcript NM_001098511.3 (MANE Select); coding-DNA position 2221, C replaced by A.
Protein change: p.Pro741Thr; replaces proline 741 with threonine.
Molecular consequence: missense variant.
Genome position (GRCh38, 1-based): chr5:62,385,555, C>A. VCF-style: chr5-62385555-C-A. GRCh37 (hg19) VCF-style: chr5-61681382-C-A.
Other names: c.2026C>A, p.Pro676Thr (NM_001243952.2); c.2050C>A, p.Pro684Thr (NM_001243953.2); c.2107C>A, p.Pro703Thr (NM_004520.5); short protein forms P703T, P684T, P676T, P741T.
Identifiers: ClinVar variation 1469144 (VCV001469144.8), dbSNP rs1741985386, ClinGen allele CA359822969.
Genomic context (GRCh38, chr5:62,385,555, plus strand): 5'-TCTTTCCGTGCAGCTCTACAAGAGGAGGAACAAGCCAGCAAGCAAATCAACCCGAAGAGA[C>A]CCCGTGCCCTTTAAACCGGCATTTGCTGCTAAAGGATACCCAGAACCCTCACTACTGTAA-3'
Protein context (NP_001091981.1, residues 731-744): QASKQINPKR[Pro741Thr]RAL

ClinVar aggregate classification (germline): Uncertain significance (1 of 4 stars; one submission).

Allele frequency attached by ClinVar (database versions not stated): gnomAD exomes below 0.00001.
gnomAD v4.1: 2 of 1,591,876 alleles (0.00013%); highest among the groups gnomAD compares: Non-Finnish European, 0.00017%; no homozygotes.

Submission:

Labcorp Genetics (formerly Invitae), Labcorp
Classification: Uncertain significance. Last evaluated: 2021-01-25. Review status: criteria provided, single submitter. Criteria: Invitae Variant Classification Sherloc (09022015). Collection method: clinical testing. Allele origin: germline.
Comment: In summary, the available evidence is currently insufficient to determine the role of this variant in disease. Therefore, it has been classified as a Variant of Uncertain Significance. Algorithms developed to predict the effect of missense changes on protein structure and function are either unavailable or do not agree on the potential impact of this missense change (SIFT: "Tolerated"; PolyPhen-2: "Probably Damaging"; Align-GVGD: "Class C0"). This variant has not been reported in the literature in individuals with KIF2A-related conditions. This variant is not present in population databases (ExAC no frequency). This sequence change replaces proline with threonine at codon 741 of the KIF2A protein (p.Pro741Thr). The proline residue is moderately conserved and there is a small physicochemical difference between proline and threonine.